The following is an entry in ClinVar:

ClinVar aggregate classification (germline): Conflicting classifications of pathogenicity. Review status: criteria provided, conflicting classifications (1 of 4 stars). 9 submissions from 9 submitters: Uncertain significance (7); Likely benign (1). 1 of the submissions does not count toward it. Last evaluated 2026-01-31.

Conditions:
Alstrom syndrome (ALMS). Identifiers: Orphanet 64, MedGen C0268425, MONDO:0008763, OMIM 203800.
Cardiovascular phenotype. Identifiers: MedGen CN230736.

Allele frequency attached by ClinVar (database versions not stated): gnomAD exomes 0.00006; ExAC 0.00008; gnomAD 0.00033 and 0.00036; TOPMed 0.00033; ESP Exome Variant Server 0.00034; 1000 Genomes Project 30x 0.00047; 1000 Genomes Project 0.00060.
gnomAD v4.1: 106 of 1,611,666 alleles (0.0066%); highest among the groups gnomAD compares: African/African-American, 0.12%; no homozygotes.

Submissions (9):

Labcorp Genetics (formerly Invitae), Labcorp
Classification: Uncertain significance for Alstrom syndrome. Last evaluated: 2026-01-31. Review status: criteria provided, single submitter. Criteria: Invitae Variant Classification Sherloc (09022015). Collection method: clinical testing. Allele origin: germline.
Comment: This sequence change replaces isoleucine, which is neutral and non-polar, with valine, which is neutral and non-polar, at codon 2788 of the ALMS1 protein (p.Ile2788Val). This variant is present in population databases (rs200075429, gnomAD 0.1%). This missense change has been observed in individual(s) with clinical features of ALMS1-related disease (PMID: 25468891). This variant is also known as c.8356A>G, p.Ile2786Val. ClinVar contains an entry for this variant (Variation ID: 499776). Experimental studies and prediction algorithms are not available or were not evaluated, and the functional significance of this variant is currently unknown. In summary, the available evidence is currently insufficient to determine the role of this variant in disease. Therefore, it has been classified as a Variant of Uncertain Significance.

GeneDx
Classification: Uncertain significance. Last evaluated: 2025-03-18. Review status: criteria provided, single submitter. Criteria: GeneDx Variant Classification Process June 2021. Collection method: clinical testing. Allele origin: germline. Affected: yes.
Comment: In silico analysis indicates that this missense variant does not alter protein structure/function; Also known as p.(I2786V); This variant is associated with the following publications: (PMID: 25468891)

Clinical Genomics Laboratory, Washington University in St. Louis
Classification: Uncertain significance for Alstrom syndrome. Last evaluated: 2025-01-28. Review status: criteria provided, single submitter. Criteria: ACMG Guidelines, 2015. Collection method: clinical testing. Allele origin: germline.
Comment: The ALMS1 c.8359A>G (p.Ile2787Val), also published as c.8356A>G (p.Ile2786Val), has been reported as a germline variant in one individual with Usher syndrome, type 1 (Bujakowska KM et al., PMID: 25468891). These three ALMS1 variants may constitute a haplotype, which may be inferred from the similarity in their frequency in the population databases, and there is no data that shows that one of these three variants is in trans with the other two. The ALMS1 c.8359A>G (p.Ile2787Val) variant has been reported in the ClinVar database as a germline variant of uncertain significance by six submitters and as a germline likely benign variant by one submitter (Variation ID: 499776). This variant has been observed on 23/278,666 alleles in the general population (gnomAD v2.1.1). Computational predictors suggest that the variant does not impact ALMS1 function. Due to limited information, and based on ACMG/AMP guidelines for variant interpretation (Richards S et al., PMID: 25741868), the clinical significance of this variant is uncertain at this time.

Blueprint Genetics
Classification: Uncertain significance. Last evaluated: 2022-11-30. Review status: criteria provided, single submitter. Criteria: ACMG Guidelines, 2015. Collection method: clinical testing. Allele origin: germline.

Fulgent Genetics
Classification: Uncertain significance for Alstrom syndrome. Last evaluated: 2022-03-15. Review status: criteria provided, single submitter. Criteria: ACMG Guidelines, 2015. Collection method: clinical testing. Allele origin: unknown.

Ambry Genetics
Classification: Likely benign for Cardiovascular phenotype. Last evaluated: 2021-05-14. Review status: criteria provided, single submitter. Criteria: Ambry Variant Classification Scheme 2023. Collection method: clinical testing. Allele origin: germline.

Women's Health and Genetics/Laboratory Corporation of America, LabCorp
Classification: Uncertain significance. Last evaluated: 2020-03-23. Review status: criteria provided, single submitter. Criteria: LabCorp Variant Classification Summary - May 2015. Collection method: clinical testing. Allele origin: germline.
Comment: Variant summary: ALMS1 c.8356A>G (p.Ile2786Val) results in a conservative amino acid change in the encoded protein sequence. Five of five in-silico tools predict a benign effect of the variant on protein function. The variant allele was found at a frequency of 5.7e-05 in 247260 control chromosomes (gnomAD). This frequency is not significantly higher than expected for a pathogenic variant in ALMS1 causing Cardiomyopathy (5.7e-05 vs 0.0022), allowing no conclusion about variant significance. c.8356A>G has been reported in the literature in one individual affected with Usher syndrome type I (Bujakowska_2014). The report does not provide unequivocal conclusions about association of the variant with Cardiomyopathy. To our knowledge, no occurrence of c.8356A>G in individuals affected with Cardiomyopathy and no experimental evidence demonstrating its impact on protein function have been reported. Two ClinVar submitters (evaluation after 2014) cite the variant as uncertain significance. Based on the evidence outlined above, the variant was classified as uncertain significance.

Eurofins Ntd Llc (ga)
Classification: Uncertain significance. Last evaluated: 2017-02-15. Review status: criteria provided, single submitter. Criteria: EGL Classification Definitions 2015. Collection method: clinical testing. Allele origin: germline. Observed: 1 variant allele, 1 heterozygote.

Natera, Inc.
Classification: Uncertain significance for Alstrom syndrome. Last evaluated: 2021-05-04. Review status: no assertion criteria provided. Collection method: clinical testing. Allele origin: germline. Not counted in ClinVar's aggregate classification.

Literature cited by the submitters: PubMed 25468891 (cited by 3 submitters).

NM_001378454.1(ALMS1):c.8359A>G (p.Ile2787Val)

Gene: ALMS1 (ALMS1 centrosome and basal body associated protein; plus strand). Cytogenetic location: 2p13.1.
Variant type: single nucleotide variant.
Coding change: c.8359A>G on transcript NM_001378454.1 (MANE Select); coding-DNA position 8359, A replaced by G.
Protein change: p.Ile2787Val; replaces isoleucine 2787 with valine.
Molecular consequence: missense variant.
Genome position (GRCh38, 1-based): chr2:73,490,318, A>G. VCF-style: chr2-73490318-A-G. GRCh37 (hg19) VCF-style: chr2-73717445-A-G.
Other names: c.8362A>G, p.Ile2788Val (NM_015120.4); short protein forms I2788V, I2787V.
Identifiers: ClinVar variation 499776 (VCV000499776.26), dbSNP rs200075429, ClinGen allele CA1714456.
Genomic context (GRCh38, chr2:73,490,318, plus strand): 5'-AAAACCTCTTCCCCTTCATCATTTAAAATGCATAGTAATTCACAAGATAAAGAAGTGACT[A>G]TTTTAGCAGAAGGTAGAAGGCAAAGCCAAAAATTACCTGTTGATTTTGAGCGTTCTTTTC-3'
Protein context (NP_001365383.1, residues 2777-2797): HSNSQDKEVT[Ile2787Val]LAEGRRQSQK